The following is an entry in ClinVar:

ClinVar aggregate classification (germline): Uncertain significance (1 of 4 stars; one submission).

Conditions:
Classic or attenuated familial adenomatous polyposis. Identifiers: MedGen CN372698, MONDO:0021057.

Submission:

All of Us Research Program, National Institutes of Health
Classification: Uncertain significance for Classic or attenuated familial adenomatous polyposis. Last evaluated: 2023-06-28. Review status: criteria provided, single submitter. Criteria: ACMG Guidelines, 2015. Collection method: clinical testing. Allele origin: germline. Inheritance: Autosomal dominant inheritance. Observed: 1 variant allele, 1 heterozygote.
Comment: This study involves interpretation of variants in research participants for the purpose of population health screening. Participant phenotype was not available at the time of variant classification. Additional details can be found in publication PMID: 35346344, PMCID: PMC8962531

NM_000038.6(APC):c.3187A>C (p.Ser1063Arg)

Gene: APC (APC regulator of WNT signaling pathway; plus strand). Cytogenetic location: 5q22.2.
Variant type: single nucleotide variant.
Coding change: c.3187A>C on transcript NM_000038.6 (MANE Select); coding-DNA position 3187, A replaced by C.
Protein change: p.Ser1063Arg; replaces serine 1063 with arginine.
Molecular consequence: missense variant. On other transcripts: non-coding transcript variant (2).
Genome position (GRCh38, 1-based): chr5:112,838,781, A>C. VCF-style: chr5-112838781-A-C. GRCh37 (hg19) VCF-style: chr5-112174478-A-C.
Other names: c.3187A>C, p.Ser1063Arg (NM_001127510.3, NM_001354895.2, NM_001407450.1); c.3133A>C, p.Ser1045Arg (NM_001127511.3); c.3241A>C, p.Ser1081Arg (NM_001354896.2, NM_001407447.1, NM_001407448.1 and 1 more transcripts); c.3217A>C, p.Ser1073Arg (NM_001354897.2); c.3112A>C, p.Ser1038Arg (NM_001354898.2); c.3103A>C, p.Ser1035Arg (NM_001354899.2); c.3064A>C, p.Ser1022Arg (NM_001354900.2); c.3010A>C, p.Ser1004Arg (NM_001354901.2, NM_001407453.1); and 11 more; short protein forms S1004R, S1022R, S1035R, S1038R, S1045R, S1053R, S1056R, S1063R.
Identifiers: ClinVar variation 3072081 (VCV003072081.1), dbSNP rs2149886333, ClinGen allele CA16028320.